The following is an entry in ClinVar:

NM_000492.4(CFTR):c.269T>A (p.Leu90Ter)

Gene: CFTR (CF transmembrane conductance regulator; plus strand). Cytogenetic location: 7q31.2.
Variant type: single nucleotide variant.
Coding change: c.269T>A on transcript NM_000492.4 (MANE Select); coding-DNA position 269, T replaced by A.
Protein change: p.Leu90Ter; replaces leucine 90 with a stop codon.
Molecular consequence: nonsense.
Genome position (GRCh38, 1-based): chr7:117,509,138, T>A. VCF-style: chr7-117509138-T-A. GRCh37 (hg19) VCF-style: chr7-117149192-T-A.
Other names: short protein forms L90*.
Identifiers: ClinVar variation 984340 (VCV000984340.3), dbSNP rs397508421, ClinGen allele CA368972307.

ClinVar aggregate classification (germline): Likely pathogenic (1 of 4 stars; one submission).

Conditions:
Cystic fibrosis (CF). Also called: MUCOVISCIDOSIS. Identifiers: Orphanet 586, MedGen C0010674, MONDO:0009061, OMIM 219700. Disease mechanism: loss of function.

Submission:

Myriad Genetics, Inc.
Classification: Likely pathogenic for Cystic fibrosis. Last evaluated: 2019-12-25. Review status: criteria provided, single submitter. Criteria: Myriad Women's Health Autosomal Recessive and X-Linked Classification Criteria (2019). Collection method: clinical testing. Allele origin: unknown.
Comment: NM_000492.3(CFTR):c.269T>A(L90*) is expected to be pathogenic in the context of cystic fibrosis. This variant is predicted to lead to an abnormal or absent protein product due to the creation of a premature termination codon in CFTR, a gene where loss-of-function variants are known to be pathogenic. Please note: this variant was assessed in the context of healthy population screening.